The following is an entry in ClinVar:

ClinVar aggregate classification (germline): Conflicting classifications of pathogenicity. Review status: criteria provided, conflicting classifications (1 of 4 stars). 13 submissions from 12 submitters: Uncertain significance (2); Benign (4); Likely benign (4). 3 of the submissions do not count toward it. Last evaluated 2026-08-01.

Conditions:
Usher syndrome type 1 (USH1). Also called: RETINITIS PIGMENTOSA AND CONGENITAL DEAFNESS. Identifiers: Orphanet 231169, Orphanet 886, MedGen C1568247, MONDO:0010168, OMIM 276900.
Usher syndrome type 1D (USH1D). Also called: USHER SYNDROME, TYPE ID. Identifiers: Orphanet 231169, Orphanet 886, MedGen C1832845, MONDO:0010984, OMIM 601067.
Autosomal recessive nonsyndromic hearing loss 12. Also called: DEAFNESS, AUTOSOMAL RECESSIVE 12. Identifiers: Orphanet 90636, MedGen C1832394, MONDO:0011067, OMIM 601386.

Allele frequency attached by ClinVar (database versions not stated): 1000 Genomes Project 0.00280; gnomAD exomes 0.00361; 1000 Genomes Project 30x 0.00250; ExAC 0.00355; ESP Exome Variant Server 0.00433; gnomAD 0.00488 and 0.00466; TOPMed 0.00402.
gnomAD v4.1: 5,168 of 1,614,084 alleles (0.32%); highest among the groups gnomAD compares: African/African-American, 0.6%; 24 homozygotes.

Submissions (13):

CeGaT Center for Human Genetics Tuebingen
Classification: Likely benign. Last evaluated: 2026-08-01. Review status: criteria provided, single submitter. Criteria: CeGaT Center For Human Genetics Tuebingen Variant Classification Criteria Version 2. Collection method: clinical testing. Allele origin: germline. Affected: yes. Observed: 22 variant alleles.
Comment: CDH23: BP4, BS2

Labcorp Genetics (formerly Invitae), Labcorp
Classification: Benign. Last evaluated: 2026-01-29. Review status: criteria provided, single submitter. Criteria: Invitae Variant Classification Sherloc (09022015). Collection method: clinical testing. Allele origin: germline.

Blueprint Genetics
Classification: Likely benign. Last evaluated: 2024-11-27. Review status: criteria provided, single submitter. Criteria: ACMG Guidelines, 2015. Collection method: clinical testing. Allele origin: germline.

Genome-Nilou Lab
Classification: Likely benign for Usher syndrome type 1D. Last evaluated: 2021-06-10. Review status: criteria provided, single submitter. Criteria: ACMG Guidelines, 2015. Collection method: clinical testing. Allele origin: germline. Affected: no.

GeneDx
Classification: Benign. Last evaluated: 2019-12-02. Review status: criteria provided, single submitter. Criteria: GeneDx Variant Classification Process June 2021. Collection method: clinical testing. Allele origin: germline. Affected: yes.

Athena Diagnostics
Classification: Benign. Last evaluated: 2019-08-05. Review status: criteria provided, single submitter. Criteria: Athena Diagnostics Criteria. Collection method: clinical testing. Allele origin: germline.

Illumina Laboratory Services, Illumina
Classification: Uncertain significance for Usher syndrome type 1D. Last evaluated: 2018-01-13. Review status: criteria provided, single submitter. Criteria: ICSL Variant Classification Criteria 13 December 2019. Collection method: clinical testing. Allele origin: germline.

Illumina Laboratory Services, Illumina
Classification: Uncertain significance for Autosomal recessive nonsyndromic hearing loss 12. Last evaluated: 2018-01-13. Review status: criteria provided, single submitter. Criteria: ICSL Variant Classification Criteria 13 December 2019. Collection method: clinical testing. Allele origin: germline.

Eurofins Ntd Llc (ga)
Classification: Likely benign. Last evaluated: 2015-04-30. Review status: criteria provided, single submitter. Criteria: EGL Classification Definitions 2015. Collection method: clinical testing. Allele origin: germline. Observed: 1 variant allele, 1 heterozygote.

Laboratory for Molecular Medicine, Mass General Brigham Personalized Medicine
Classification: Benign. Last evaluated: 2012-05-04. Review status: criteria provided, single submitter. Criteria: LMM Criteria. Collection method: clinical testing. Allele origin: germline. Observed: 18 variant alleles.
Comment: Asp1848Asp in exon 43 of CDH23: This variant is not expected to have clinical si gnificance because it is has been identified in 0.4% (28/6978) of European Ameri can chromosomes and 0.6% (21/3710) of African American chromosomes from a broad population by the NHLBI Exome sequencing project (VS/; dbSNP rs142131750).

Natera, Inc.
Classification: Benign for Usher syndrome type 1. Last evaluated: 2019-08-26. Review status: no assertion criteria provided. Collection method: clinical testing. Allele origin: germline. Not counted in ClinVar's aggregate classification.

Clinical Genetics DNA and cytogenetics Diagnostics Lab, Erasmus MC, Erasmus Medical Center
Classification: Likely benign. Review status: no assertion criteria provided. Collection method: clinical testing. Allele origin: germline. Affected: yes. Study: VKGL Data-share Consensus. Not counted in ClinVar's aggregate classification.

Clinical Genetics, Academic Medical Center
Classification: Benign. Review status: no assertion criteria provided. Collection method: clinical testing. Allele origin: germline. Affected: yes. Study: VKGL Data-share Consensus. Not counted in ClinVar's aggregate classification.

Literature cited by the submitters: PubMed 21569298 (cited by Athena Diagnostics).

NM_022124.6(CDH23):c.5544C>T (p.Asp1848=)

Gene: CDH23 (cadherin related 23; plus strand). Cytogenetic location: 10q22.1.
Variant type: single nucleotide variant.
Coding change: c.5544C>T on transcript NM_022124.6 (MANE Select); coding-DNA position 5544, C replaced by T.
Protein change: p.Asp1848=; no amino-acid change (aspartic acid 1848 retained).
Molecular consequence: synonymous variant.
Genome position (GRCh38, 1-based): chr10:71,784,932, C>T. VCF-style: chr10-71784932-C-T. GRCh37 (hg19) VCF-style: chr10-73544689-C-T.
Identifiers: ClinVar variation 45986 (VCV000045986.65), dbSNP rs142131750, ClinGen allele CA137500.